The following is an entry in ClinVar:

NM_005184.4(CALM3):c.320G>A (p.Arg107His)

Gene: CALM3 (calmodulin 3; plus strand). Cytogenetic location: 19q13.32.
Variant type: single nucleotide variant.
Coding change: c.320G>A on transcript NM_005184.4 (MANE Select); coding-DNA position 320, G replaced by A.
Protein change: p.Arg107His; replaces arginine 107 with histidine.
Molecular consequence: missense variant.
Genome position (GRCh38, 1-based): chr19:46,608,880, G>A. VCF-style: chr19-46608880-G-A. GRCh37 (hg19) VCF-style: chr19-47112137-G-A.
Other names: c.212G>A, p.Arg71His (NM_001329921.1, NM_001329923.1, NM_001329924.2 and 2 more transcripts); c.320G>A, p.Arg107His (NM_001329922.1); short protein forms R107H, R71H.
Identifiers: ClinVar variation 1315863 (VCV001315863.2), dbSNP rs1398867574, ClinGen allele CA406473073.

ClinVar aggregate classification (germline): Uncertain significance (1 of 4 stars; one submission).

Allele frequency attached by ClinVar (database versions not stated): gnomAD exomes below 0.00001.

Submission:

GeneDx
Classification: Uncertain significance. Last evaluated: 2019-07-02. Review status: criteria provided, single submitter. Criteria: GeneDx Variant Classification Process June 2021. Collection method: clinical testing. Allele origin: germline. Affected: yes.
Comment: Has not been previously published as pathogenic or benign to our knowledge; Not observed at a significant frequency in large population cohorts (Lek et al., 2016); In silico analysis, which includes protein predictors and evolutionary conservation, supports a deleterious effect